The following is an entry in ClinVar:

NM_001352514.2(HLCS):c.2450+1_2450+2del

Gene: HLCS (holocarboxylase synthetase; minus strand). Cytogenetic location: 21q22.13.
Variant type: Deletion.
Coding change: c.2450+1_2450+2del on transcript NM_001352514.2 (MANE Select); the canonical splice donor site of the intron after coding-DNA position 2450, 2 bases deleted (GT; older notation c.2450+1_2450+2delGT).
Molecular consequence: splice donor variant.
Genome position (GRCh38, 1-based): chr21:36,756,540-36,756,541, AC deleted on the plus strand (GT on the coding strand, the reverse complement: HLCS is on the minus strand). VCF-style (leftmost placement, unchanged base first): chr21-36756539-GAC-G. GRCh37 (hg19) VCF-style: chr21-38128840-GAC-G.
Other names: c.2009+1_2009+2del (NM_001352517.1, NM_001242785.2, NM_001352515.2 and 4 more transcripts).
Identifiers: ClinVar variation 1003309 (VCV001003309.6), dbSNP rs2089602804, ClinGen allele CA2388156503.
Genomic context (GRCh38, chr21:36,756,539, plus strand): 5'-GATACAGAACTACTAAGATACTAATAAAGGAGTTGAAAAGAATGAAGATGAGCCAGCACT[GAC>G]CTGTGGACCCAGTATCGGTAATAAAGGGGAAGGACGCTGTTGGGCCCTTTGTCCTGAAAC-3'

ClinVar aggregate classification (germline): Uncertain significance (1 of 4 stars; one submission).

Conditions:
Holocarboxylase synthetase deficiency. Also called: MULTIPLE CARBOXYLASE DEFICIENCY, EARLY ONSET. Identifiers: Orphanet 79242, MedGen C0268581, MONDO:0009666, OMIM 253270.

Submission:

Labcorp Genetics (formerly Invitae), Labcorp
Classification: Uncertain significance for Holocarboxylase synthetase deficiency. Last evaluated: 2020-10-06. Review status: criteria provided, single submitter. Criteria: Invitae Variant Classification Sherloc (09022015). Collection method: clinical testing. Allele origin: germline.
Comment: In summary, the available evidence is currently insufficient to determine the role of this variant in disease. Therefore, it has been classified as a Variant of Uncertain Significance. Nucleotide substitutions within the consensus splice site are a relatively common cause of aberrant splicing (PMID: 17576681, 9536098). Algorithms developed to predict the effect of sequence changes on RNA splicing suggest that this variant may disrupt the consensus splice site, but this prediction has not been confirmed by published transcriptional studies. This variant has not been reported in the literature in individuals with HLCS-related conditions. This variant is not present in population databases (ExAC no frequency). This sequence change affects a donor splice site in the last intron (intron 11) of the HLCS gene. While this is not anticipated to result in nonsense mediated decay, it likely alters RNA splicing and results in a disrupted protein product.

Literature cited by the submitters: PubMed 17576681; PubMed 9536098.